The following is an entry in ClinVar:

NM_004766.3(COPB2):c.1095-10T>C

Gene: COPB2 (coat protein complex I subunit beta 2; minus strand). Cytogenetic location: 3q23.
Variant type: single nucleotide variant.
Coding change: c.1095-10T>C on transcript NM_004766.3 (MANE Select); 10 bases into the intron before coding-DNA position 1095, T replaced by C.
Molecular consequence: intron variant.
Genome position (GRCh38, 1-based): chr3:139,371,843, A>G on the plus strand (T>C on the coding strand, the complement: COPB2 is on the minus strand). VCF-style: chr3-139371843-A-G. GRCh37 (hg19) VCF-style: chr3-139090685-A-G.
Other names: c.1008-10T>C (NM_001410834.1).
Identifiers: ClinVar variation 4882150 (VCV004882150.2).

ClinVar aggregate classification (germline): Uncertain significance (1 of 4 stars; one submission).

gnomAD v4.1: 15 of 1,611,374 alleles (0.00093%); highest among the groups gnomAD compares: Admixed American, 0.017%; no homozygotes.

Submission:

Dasa
Classification: Uncertain significance. Last evaluated: 2025-11-11. Review status: criteria provided, single submitter. Criteria: DASA Assertion Criteria. Collection method: clinical testing. Allele origin: germline.
Comment: NM_004766.3(COPB2):c.1095-10T>C is a splice-region variant. This variant is rare in population databases. The currently available literature and clinical evidence are not sufficient to establish a definitive association between this variant and the reported condition. Therefore, this variant is classified as a variant of uncertain significance.